The following is an entry in ClinVar:

ClinVar aggregate classification (germline): Benign. Review status: criteria provided, multiple submitters, no conflicts (2 of 4 stars). 2 submissions from 2 submitters: Benign (2). Last evaluated 2025-12-20.

Allele frequency attached by ClinVar (database versions not stated): TOPMed 0.00002; gnomAD 0.00011; gnomAD exomes 0.00025; ExAC 0.00057; 1000 Genomes Project 30x 0.00078; 1000 Genomes Project 0.00100.
gnomAD v4.1: 388 of 1,613,968 alleles (0.024%); highest among the groups gnomAD compares: South Asian, 0.4%; 2 homozygotes.

Submissions (2):

Labcorp Genetics (formerly Invitae), Labcorp
Classification: Benign. Last evaluated: 2025-12-20. Review status: criteria provided, single submitter. Criteria: Invitae Variant Classification Sherloc (09022015). Collection method: clinical testing. Allele origin: germline.

CeGaT Center for Human Genetics Tuebingen
Classification: Benign. Last evaluated: 2022-03-01. Review status: criteria provided, single submitter. Criteria: CeGaT Center For Human Genetics Tuebingen Variant Classification Criteria Version 2. Collection method: clinical testing. Allele origin: germline. Affected: yes. Observed: 1 variant allele.
Comment: BPTF: BS1, BS2

NM_182641.4(BPTF):c.2535A>T (p.Gly845=)

Gene: BPTF (bromodomain PHD finger transcription factor; plus strand). Cytogenetic location: 17q24.2.
Variant type: single nucleotide variant.
Coding change: c.2535A>T on transcript NM_182641.4 (MANE Select); coding-DNA position 2535, A replaced by T.
Protein change: p.Gly845=; no amino-acid change (glycine 845 retained).
Molecular consequence: synonymous variant.
Genome position (GRCh38, 1-based): chr17:67,894,157, A>T. VCF-style: chr17-67894157-A-T. GRCh37 (hg19) VCF-style: chr17-65890273-A-T.
Other names: c.2913A>T, p.Gly971= (NM_004459.7).
Identifiers: ClinVar variation 2648129 (VCV002648129.27), dbSNP rs559620846, ClinGen allele CA8725458.